The following is an entry in ClinVar:

NM_001025295.3(IFITM5):c.61C>T (p.His21Tyr)

Gene: IFITM5 (interferon induced transmembrane protein 5; minus strand). Cytogenetic location: 11p15.5.
Variant type: single nucleotide variant.
Coding change: c.61C>T on transcript NM_001025295.3 (MANE Select); coding-DNA position 61, C replaced by T.
Protein change: p.His21Tyr; replaces histidine 21 with tyrosine.
Molecular consequence: missense variant.
Genome position (GRCh38, 1-based): chr11:299,430, G>A on the plus strand (C>T on the coding strand, the complement: IFITM5 is on the minus strand). VCF-style: chr11-299430-G-A. GRCh37 (hg19) VCF-style: chr11-299430-G-A.
Other names: short protein forms H21Y.
Identifiers: ClinVar variation 2187160 (VCV002187160.4), dbSNP rs1219763396, ClinGen allele CA378891037.
Genomic context (GRCh38, chr11:299,430, plus strand): 5'-CCGACCAGATCAAGTGGTCTCGAGGCGGGGGGTGCGGGGCCCCCAGTGTGAGGGCTGTGT[G>A]GGCACCGGCCTTGCTGGGCGTGGGGGCCCGGGTGTCCTCGCGGGGATACGCCGTGTCCAT-3'
Protein context (NP_001020466.1, residues 11-31): RAPTPSKAGA[His21Tyr]TALTLGAPHP

ClinVar aggregate classification (germline): Uncertain significance (1 of 4 stars; one submission).

Allele frequency attached by ClinVar (database versions not stated): TOPMed below 0.00001; gnomAD 0.00001.

Submission:

Labcorp Genetics (formerly Invitae), Labcorp
Classification: Uncertain significance. Last evaluated: 2022-04-25. Review status: criteria provided, single submitter. Criteria: Invitae Variant Classification Sherloc (09022015). Collection method: clinical testing. Allele origin: germline.
Comment: In summary, the available evidence is currently insufficient to determine the role of this variant in disease. Therefore, it has been classified as a Variant of Uncertain Significance. Algorithms developed to predict the effect of missense changes on protein structure and function are either unavailable or do not agree on the potential impact of this missense change (SIFT: "Tolerated"; PolyPhen-2: "Possibly Damaging"; Align-GVGD: "Class C0"). This variant has not been reported in the literature in individuals affected with IFITM5-related conditions. This variant is not present in population databases (gnomAD no frequency). This sequence change replaces histidine, which is basic and polar, with tyrosine, which is neutral and polar, at codon 21 of the IFITM5 protein (p.His21Tyr).